The following is an entry in ClinVar:

NM_020937.4(FANCM):c.4828G>A (p.Glu1610Lys)

Gene: FANCM (FA complementation group M; plus strand). Cytogenetic location: 14q21.2.
Variant type: single nucleotide variant.
Coding change: c.4828G>A on transcript NM_020937.4 (MANE Select); coding-DNA position 4828, G replaced by A.
Protein change: p.Glu1610Lys; replaces glutamic acid 1610 with lysine.
Molecular consequence: missense variant.
Genome position (GRCh38, 1-based): chr14:45,188,850, G>A. VCF-style: chr14-45188850-G-A. GRCh37 (hg19) VCF-style: chr14-45658053-G-A.
Other names: c.4750G>A, p.Glu1584Lys (NM_001308133.2); short protein forms E1610K, E1584K.
Identifiers: ClinVar variation 3848489 (VCV003848489.1).
Genomic context (GRCh38, chr14:45,188,850, plus strand): 5'-TTTTTATTGTAGATTCCTGAACAAGATGAAACCTATTTAGAGGATAGTTTTTGTGTTGAT[G>A]AAGAGGAGTCTTGCAAAGGCCAATCAAGTGAAGAAGAAGTTTGTGTTGATTTTAACTTAA-3'
Protein context (NP_065988.1, residues 1600-1620): TYLEDSFCVD[Glu1610Lys]EESCKGQSSE

ClinVar aggregate classification (germline): Uncertain significance (1 of 4 stars; one submission).

Conditions:
Inborn genetic diseases. Identifiers: MedGen C0950123, MeSH D030342.

Submission:

Ambry Genetics
Classification: Uncertain significance for Inborn genetic diseases. Last evaluated: 2024-12-13. Review status: criteria provided, single submitter. Criteria: Ambry Variant Classification Scheme 2023. Collection method: clinical testing. Allele origin: germline.
Comment: The p.E1610K variant (also known as c.4828G>A), located in coding exon 20 of the FANCM gene, results from a G to A substitution at nucleotide position 4828. The glutamic acid at codon 1610 is replaced by lysine, an amino acid with similar properties. This amino acid position is conserved. In addition, the in silico prediction for this alteration is inconclusive. Based on the available evidence, the clinical significance of this variant remains unclear.